The following is an entry in ClinVar:

ClinVar aggregate classification (germline): Pathogenic. Review status: criteria provided, multiple submitters, no conflicts (2 of 4 stars). 4 submissions from 4 submitters: Pathogenic (3). 1 of the submissions does not count toward it. Last evaluated 2024-05-13.

Conditions:
Inborn genetic diseases. Identifiers: MedGen C0950123, MeSH D030342.
Landau-Kleffner syndrome (FESD). Also called: APHASIA, ACQUIRED, WITH EPILEPSY; EPILEPSY, FOCAL, WITH SPEECH DISORDER AND WITH OR WITHOUT MENTAL RETARDATION. Identifiers: Orphanet 1945, Orphanet 725, Orphanet 98818, MedGen C0282512, MONDO:0009509, OMIM 245570.

Submissions (4):

Ambry Genetics
Classification: Pathogenic for Inborn genetic diseases. Last evaluated: 2024-05-13. Review status: criteria provided, single submitter. Criteria: Ambry Variant Classification Scheme 2023. Collection method: clinical testing. Allele origin: germline.
Comment: The c.1655C>G (p.P552R) alteration is located in exon 9 (coding exon 7) of the GRIN2A gene. This alteration results from a C to G substitution at nucleotide position 1655, causing the proline (P) at amino acid position 552 to be replaced by an arginine (R). This variant was not reported in population-based cohorts in the Genome Aggregation Database (gnomAD). This variant has been determined to be the result of a de novo mutation in two individuals with profound to severe intellectual disability, seizures, spasticity, and other clinical features consistent with GRIN2A-related speech disorders and epilepsy (de Ligt, 2012; Strehlow, 2019). This amino acid position is highly conserved in available vertebrate species. This missense alteration is located in a region that has a low rate of benign missense variation (Lek, 2016; Firth, 2009). In multiple assays testing GRIN2A function, this variant showed functionally abnormal results (Ogden, 2017; Gale, 2021; Iacobucci, 2022). This alteration is predicted to be deleterious by in silico analysis. Based on the available evidence, this alteration is classified as pathogenic.

Institute of Human Genetics, University of Leipzig Medical Center
Classification: Pathogenic for Landau-Kleffner syndrome. Last evaluated: 2020-10-06. Review status: criteria provided, single submitter. Criteria: ACMG Guidelines, 2015. Collection method: clinical testing. Allele origin: de novo. Inheritance: Autosomal dominant inheritance. Affected: yes.
Comment: Criteria applied: PS2,PS3_MOD,PS4_MOD,PM2_SUP,PM5_SUP,PP3

CeGaT Center for Human Genetics Tuebingen
Classification: Pathogenic. Last evaluated: 2019-11-01. Review status: criteria provided, single submitter. Criteria: CeGaT Center For Human Genetics Tuebingen Variant Classification Criteria Version 2. Collection method: clinical testing. Allele origin: germline. Affected: yes. Observed: 3 variant alleles.

OMIM
Classification: Pathogenic for EPILEPSY, FOCAL, WITH SPEECH DISORDER AND WITH OR WITHOUT MENTAL RETARDATION. Last evaluated: 2018-10-18. Review status: no assertion criteria provided. Collection method: literature only. Allele origin: germline. Not counted in ClinVar's aggregate classification.

Literature cited by the submitters: PubMed 23033978 (cited by Ambry Genetics); PubMed 28095420 (cited by Ambry Genetics); PubMed 30544257 (cited by Ambry Genetics); PubMed 34776984 (cited by Ambry Genetics); PubMed 36117210 (cited by Ambry Genetics); PubMed 16537520 (cited by OMIM).

NM_001134407.3(GRIN2A):c.1655C>G (p.Pro552Arg)

Gene: GRIN2A (glutamate ionotropic receptor NMDA type subunit 2A; minus strand). Cytogenetic location: 16p13.2.
Variant type: single nucleotide variant.
Coding change: c.1655C>G on transcript NM_001134407.3 (MANE Select); coding-DNA position 1655, C replaced by G.
Protein change: p.Pro552Arg; replaces proline 552 with arginine.
Molecular consequence: missense variant.
Genome position (GRCh38, 1-based): chr16:9,834,227, G>C on the plus strand (C>G on the coding strand, the complement: GRIN2A is on the minus strand). VCF-style: chr16-9834227-G-C. GRCh37 (hg19) VCF-style: chr16-9928084-G-C.
Other names: P522R; c.1655C>G, p.Pro552Arg (NM_000833.5, NM_001134408.2); short protein forms P552R.
Identifiers: ClinVar variation 39663 (VCV000039663.46), dbSNP rs397518450, ClinGen allele CA130442.
Genomic context (GRCh38, chr16:9,834,227, plus strand): 5'-GCTATGGCAGAAACAATGAGCAGCATCACAAACATCATCACCCAGACAGAGGCGCTGAAT[G>C]GTTCTGCAAATAAACAGATAAAGGAATGGAAACGTGGTTAGTTATCTCTTCCTCACTTCC-3'
Protein context (NP_001127879.1, residues 542-562): GTVSPSAFLE[Pro552Arg]FSASVWVMMF